The following is an entry in ClinVar:

ClinVar aggregate classification (germline): Uncertain significance (1 of 4 stars; one submission).

Submission:

GeneDx
Classification: Uncertain significance. Last evaluated: 2023-01-24. Review status: criteria provided, single submitter. Criteria: GeneDx Variant Classification Process June 2021. Collection method: clinical testing. Allele origin: germline. Affected: yes.
Comment: Not observed at significant frequency in large population cohorts (gnomAD); In silico analysis supports that this missense variant does not alter protein structure/function; Has not been previously published as pathogenic or benign to our knowledge

NM_005861.4(STUB1):c.52G>A (p.Gly18Arg)

Gene: STUB1 (STIP1 homology and U-box containing protein 1; plus strand). Cytogenetic location: 16p13.3.
Variant type: single nucleotide variant.
Coding change: c.52G>A on transcript NM_005861.4 (MANE Select); coding-DNA position 52, G replaced by A.
Protein change: p.Gly18Arg; replaces glycine 18 with arginine.
Molecular consequence: missense variant. On other transcripts: 5 prime UTR variant (1).
Genome position (GRCh38, 1-based): chr16:680,577, G>A. VCF-style: chr16-680577-G-A. GRCh37 (hg19) VCF-style: chr16-730577-G-A.
Other names: c.-254G>A (NM_001293197.2); short protein forms G18R.
Identifiers: ClinVar variation 2573790 (VCV002573790.1), dbSNP rs868806649, ClinGen allele CA276564406.